The following is an entry in ClinVar:

ClinVar aggregate classification (germline): Uncertain significance (1 of 4 stars; one submission).

Conditions:
DNA ligase IV deficiency. Identifiers: Orphanet 99812, MedGen C1847827, MONDO:0011686, OMIM 606593.

Submission:

Labcorp Genetics (formerly Invitae), Labcorp
Classification: Uncertain significance for DNA ligase IV deficiency. Last evaluated: 2022-07-12. Review status: criteria provided, single submitter. Criteria: Invitae Variant Classification Sherloc (09022015). Collection method: clinical testing. Allele origin: germline.
Comment: In summary, the available evidence is currently insufficient to determine the role of this variant in disease. Therefore, it has been classified as a Variant of Uncertain Significance. Algorithms developed to predict the effect of missense changes on protein structure and function are either unavailable or do not agree on the potential impact of this missense change (SIFT: "Deleterious"; PolyPhen-2: "Possibly Damaging"; Align-GVGD: "Class C0"). ClinVar contains an entry for this variant (Variation ID: 1023480). This variant has not been reported in the literature in individuals affected with LIG4-related conditions. This variant is not present in population databases (gnomAD no frequency). This sequence change replaces isoleucine, which is neutral and non-polar, with serine, which is neutral and polar, at codon 796 of the LIG4 protein (p.Ile796Ser).

NM_206937.2(LIG4):c.2387T>G (p.Ile796Ser)

Gene: LIG4 (DNA ligase 4; minus strand). Cytogenetic location: 13q33.3.
Variant type: single nucleotide variant.
Coding change: c.2387T>G on transcript NM_206937.2 (MANE Select); coding-DNA position 2387, T replaced by G.
Protein change: p.Ile796Ser; replaces isoleucine 796 with serine.
Molecular consequence: missense variant.
Genome position (GRCh38, 1-based): chr13:108,208,882, A>C on the plus strand (T>G on the coding strand, the complement: LIG4 is on the minus strand). VCF-style: chr13-108208882-A-C. GRCh37 (hg19) VCF-style: chr13-108861230-A-C.
Other names: c.2387T>G, p.Ile796Ser (NM_001098268.2, NM_001352598.2, NM_001352599.2 and 6 more transcripts); c.2186T>G, p.Ile729Ser (NM_001330595.2); c.2423T>G, p.Ile808Ser (NM_001352604.2); short protein forms I729S, I796S, I808S.
Identifiers: ClinVar variation 1023480 (VCV001023480.8), dbSNP rs903162818, ClinGen allele CA388613327.